The following is an entry in ClinVar:

ClinVar aggregate classification (germline): Likely benign (1 of 4 stars; one submission).

gnomAD v4.1: 1,121 of 1,609,418 alleles (0.07%); highest among the groups gnomAD compares: East Asian, 1.2%; 6 homozygotes.

Submission:

CeGaT Center for Human Genetics Tuebingen
Classification: Likely benign. Last evaluated: 2025-03-01. Review status: criteria provided, single submitter. Criteria: CeGaT Center For Human Genetics Tuebingen Variant Classification Criteria Version 2. Collection method: clinical testing. Allele origin: germline. Affected: yes. Observed: 1 variant allele.
Comment: ATP8B4: BS1

NM_024837.4(ATP8B4):c.526C>T (p.Arg176Cys)

Gene: ATP8B4 (ATPase phospholipid transporting 8B4 (putative); minus strand). Cytogenetic location: 15q21.2.
Variant type: single nucleotide variant.
Coding change: c.526C>T on transcript NM_024837.4 (MANE Select); coding-DNA position 526, C replaced by T.
Protein change: p.Arg176Cys; replaces arginine 176 with cysteine.
Molecular consequence: missense variant. On other transcripts: non-coding transcript variant (3).
Genome position (GRCh38, 1-based): chr15:49,996,740, G>A on the plus strand (C>T on the coding strand, the complement: ATP8B4 is on the minus strand). VCF-style: chr15-49996740-G-A. GRCh37 (hg19) VCF-style: chr15-50288937-G-A.
Other names: short protein forms R176C.
Identifiers: ClinVar variation 3777906 (VCV003777906.7).